The following is an entry in ClinVar:

NM_017947.4(MOCOS):c.2528T>C (p.Met843Thr)

Gene: MOCOS (molybdenum cofactor sulfurase; plus strand). Cytogenetic location: 18q12.2.
Variant type: single nucleotide variant.
Coding change: c.2528T>C on transcript NM_017947.4 (MANE Select); coding-DNA position 2528, T replaced by C.
Protein change: p.Met843Thr; replaces methionine 843 with threonine.
Molecular consequence: missense variant.
Genome position (GRCh38, 1-based): chr18:36,268,546, T>C. VCF-style: chr18-36268546-T-C. GRCh37 (hg19) VCF-style: chr18-33848509-T-C.
Other names: short protein forms M843T.
Identifiers: ClinVar variation 856219 (VCV000856219.10), dbSNP rs77657002, ClinGen allele CA8941100.

ClinVar aggregate classification (germline): Uncertain significance. Review status: criteria provided, multiple submitters, no conflicts (2 of 4 stars). 3 submissions from 3 submitters: Uncertain significance (3). Last evaluated 2024-06-04.

Conditions:
Xanthinuria type II. Also called: Xanthine dehydrogenase and aldehyde oxidase combined deficiency of; XDH and AOX dual deficiency. Identifiers: Orphanet 3467, Orphanet 93602, MedGen C1863688, MONDO:0011346, OMIM 603592.

Allele frequency attached by ClinVar (database versions not stated): ESP Exome Variant Server 0.00008; gnomAD 0.00009 and 0.00010; gnomAD exomes 0.00010 and 0.00014; TOPMed 0.00010; ExAC 0.00015; 1000 Genomes Project 30x 0.00016; 1000 Genomes Project 0.00020.
gnomAD v4.1: 157 of 1,614,216 alleles (0.0097%); highest among the groups gnomAD compares: Non-Finnish European, 0.013%; no homozygotes.

Submissions (3):

Fulgent Genetics
Classification: Uncertain significance for Xanthinuria type II. Last evaluated: 2024-06-04. Review status: criteria provided, single submitter. Criteria: ACMG Guidelines, 2015. Collection method: clinical testing. Allele origin: germline.

Blueprint Genetics
Classification: Uncertain significance. Last evaluated: 2024-05-31. Review status: criteria provided, single submitter. Criteria: ACMG Guidelines, 2015. Collection method: clinical testing. Allele origin: germline.

Labcorp Genetics (formerly Invitae), Labcorp
Classification: Uncertain significance for Xanthinuria type II. Last evaluated: 2022-06-04. Review status: criteria provided, single submitter. Criteria: Invitae Variant Classification Sherloc (09022015). Collection method: clinical testing. Allele origin: germline.
Comment: This sequence change replaces methionine, which is neutral and non-polar, with threonine, which is neutral and polar, at codon 843 of the MOCOS protein (p.Met843Thr). This variant is present in population databases (rs77657002, gnomAD 0.02%). This variant has not been reported in the literature in individuals affected with MOCOS-related conditions. ClinVar contains an entry for this variant (Variation ID: 856219). Algorithms developed to predict the effect of missense changes on protein structure and function are either unavailable or do not agree on the potential impact of this missense change (SIFT: "Deleterious"; PolyPhen-2: "Benign"; Align-GVGD: "Class C0"). In summary, the available evidence is currently insufficient to determine the role of this variant in disease. Therefore, it has been classified as a Variant of Uncertain Significance.